The following is an entry in ClinVar:

NM_032656.4(DHX37):c.1346T>G (p.Leu449Arg)

Gene: DHX37 (DEAH-box helicase 37; minus strand). Cytogenetic location: 12q24.31.
Variant type: single nucleotide variant.
Coding change: c.1346T>G on transcript NM_032656.4 (MANE Select); coding-DNA position 1346, T replaced by G.
Protein change: p.Leu449Arg; replaces leucine 449 with arginine.
Molecular consequence: missense variant.
Genome position (GRCh38, 1-based): chr12:124,968,596, A>C on the plus strand (T>G on the coding strand, the complement: DHX37 is on the minus strand). VCF-style: chr12-124968596-A-C. GRCh37 (hg19) VCF-style: chr12-125453142-A-C.
Other names: short protein forms L449R.
Identifiers: ClinVar variation 2218658 (VCV002218658.4), dbSNP rs754626125, ClinGen allele CA6872064.

ClinVar aggregate classification (germline): Uncertain significance. Review status: criteria provided, multiple submitters, no conflicts (2 of 4 stars). 2 submissions from 2 submitters: Uncertain significance (2). Last evaluated 2025-07-15.

Conditions:
Inborn genetic diseases. Identifiers: MedGen C0950123, MeSH D030342.

Allele frequency attached by ClinVar (database versions not stated): TOPMed 0.00001; gnomAD 0.00003; gnomAD exomes 0.00006; ExAC 0.00017.
gnomAD v4.1: 91 of 1,614,024 alleles (0.0056%); highest among the groups gnomAD compares: South Asian, 0.099%; no homozygotes.

Submissions (2):

Ambry Genetics
Classification: Uncertain significance for Inborn genetic diseases. Last evaluated: 2025-07-15. Review status: criteria provided, single submitter. Criteria: Ambry Variant Classification Scheme 2023. Collection method: clinical testing. Allele origin: germline.

GeneDx
Classification: Uncertain significance. Last evaluated: 2025-02-14. Review status: criteria provided, single submitter. Criteria: GeneDx Variant Classification Process June 2021. Collection method: clinical testing. Allele origin: germline. Affected: yes.
Comment: In silico analysis supports that this missense variant has a deleterious effect on protein structure/function; Has not been previously published as pathogenic or benign to our knowledge